The following is an entry in ClinVar:

ClinVar aggregate classification (germline): Uncertain significance (1 of 4 stars; one submission).

gnomAD v4.1: 14 of 694,948 alleles (0.002%); highest among the groups gnomAD compares: Admixed American, 0.0043%; no homozygotes.

Submission:

Women's Health and Genetics/Laboratory Corporation of America, LabCorp
Classification: Uncertain significance. Last evaluated: 2026-02-18. Review status: criteria provided, single submitter. Criteria: LabCorp Variant Classification Summary - May 2015. Collection method: clinical testing. Allele origin: germline.
Comment: Variant summary: KCNC3 c.*5C>T is located in the untranslated mRNA region downstream of the termination codon. The frequency data for this variant in gnomAD is considered unreliable, as metrics indicate poor data quality at this position. To our knowledge, no occurrence of c.*5C>T in individuals affected with KCNC3-related conditions and no experimental evidence demonstrating its impact on protein function have been reported. No submitters have cited clinical-significance assessments for this variant to ClinVar. Based on the evidence outlined above, the variant was classified as uncertain significance.

NM_004977.3(KCNC3):c.*5C>T

Gene: KCNC3 (potassium voltage-gated channel subfamily C member 3; minus strand). Cytogenetic location: 19q13.33.
Variant type: single nucleotide variant.
Coding change: c.*5C>T on transcript NM_004977.3 (MANE Select); 5 bases downstream of the stop codon, C replaced by T.
Molecular consequence: 3 prime UTR variant.
Genome position (GRCh38, 1-based): chr19:50,320,241, G>A on the plus strand (C>T on the coding strand, the complement: KCNC3 is on the minus strand). VCF-style: chr19-50320241-G-A. GRCh37 (hg19) VCF-style: chr19-50823498-G-A.
Other names: c.*5C>T (NM_001372305.1).
Identifiers: ClinVar variation 4848241 (VCV004848241.1).
Genomic context (GRCh38, chr19:50,320,241, plus strand): 5'-GAGTCTGGGGGTCCGGGGGATCAGAGGGTGGGGGCTACTTACCCCGGGGGGAGGGGGTTC[G>A]TCCACTAGGGGGATATCCAGGCCGCGGCGTTGGCGTTGAGGTCGGGCAAGAAGCTTGGGG-3'